The following is an entry in ClinVar:

NM_004247.4(EFTUD2):c.419A>G (p.His140Arg)

Gene: EFTUD2 (elongation factor Tu GTP binding domain containing 2; minus strand). Cytogenetic location: 17q21.31.
Variant type: single nucleotide variant.
Coding change: c.419A>G on transcript NM_004247.4 (MANE Select); coding-DNA position 419, A replaced by G.
Protein change: p.His140Arg; replaces histidine 140 with arginine.
Molecular consequence: missense variant.
Genome position (GRCh38, 1-based): chr17:44,883,656, T>C on the plus strand (A>G on the coding strand, the complement: EFTUD2 is on the minus strand). VCF-style: chr17-44883656-T-C. GRCh37 (hg19) VCF-style: chr17-42961024-T-C.
Other names: c.314A>G, p.His105Arg (NM_001142605.2); c.419A>G, p.His140Arg (NM_001258353.2, NM_001258354.2); short protein forms H105R, H140R.
Identifiers: ClinVar variation 4701203 (VCV004701203.1).

ClinVar aggregate classification (germline): Uncertain significance (1 of 4 stars; one submission).

Submission:

Labcorp Genetics (formerly Invitae), Labcorp
Classification: Uncertain significance. Last evaluated: 2025-04-10. Review status: criteria provided, single submitter. Criteria: Invitae Variant Classification Sherloc (09022015). Collection method: clinical testing. Allele origin: germline.
Comment: This sequence change replaces histidine, which is basic and polar, with arginine, which is basic and polar, at codon 140 of the EFTUD2 protein (p.His140Arg). This variant is not present in population databases (gnomAD no frequency). This variant has not been reported in the literature in individuals affected with EFTUD2-related conditions. Invitae Evidence Modeling of protein sequence and biophysical properties (such as structural, functional, and spatial information, amino acid conservation, physicochemical variation, residue mobility, and thermodynamic stability) indicates that this missense variant is expected to disrupt EFTUD2 protein function with a positive predictive value of 80%. In summary, the available evidence is currently insufficient to determine the role of this variant in disease. Therefore, it has been classified as a Variant of Uncertain Significance.